The following is an entry in ClinVar:

NM_000057.4(BLM):c.1439C>G (p.Ser480Cys)

Gene: BLM (BLM RecQ like helicase; plus strand). Cytogenetic location: 15q26.1.
Variant type: single nucleotide variant.
Coding change: c.1439C>G on transcript NM_000057.4 (MANE Select); coding-DNA position 1439, C replaced by G.
Protein change: p.Ser480Cys; replaces serine 480 with cysteine.
Molecular consequence: missense variant.
Genome position (GRCh38, 1-based): chr15:90,760,812, C>G. VCF-style: chr15-90760812-C-G. GRCh37 (hg19) VCF-style: chr15-91304042-C-G.
Other names: c.1439C>G, p.Ser480Cys (NM_001287246.2, NM_001287247.2); c.314C>G, p.Ser105Cys (NM_001287248.2); short protein forms S105C, S480C.
Identifiers: ClinVar variation 4533120 (VCV004533120.1).

ClinVar aggregate classification (germline): Uncertain significance (1 of 4 stars; one submission).

Submission:

Quest Diagnostics Nichols Institute San Juan Capistrano
Classification: Uncertain significance. Last evaluated: 2025-02-04. Review status: criteria provided, single submitter. Criteria: Quest Diagnostics criteria. Collection method: clinical testing. Allele origin: unknown.
Comment: The BLM c.1439C>G (p.Ser480Cys) variant has not been reported in individuals with BLM-related conditions in the published literature. It also has not been reported in large, multi-ethnic general populations (Genome Aggregation Database). Analysis of this variant using bioinformatics tools for the prediction of the effect of amino acid changes on protein structure and function yielded conflicting predictions that this variant is benign or damaging. Based on the available information, we are unable to determine the clinical significance of this variant.